The following is an entry in ClinVar:

NM_000169.3(GLA):c.421del (p.Thr141fs)

Genes: GLA (galactosidase alpha; minus strand), RPL36A-HNRNPH2 (RPL36A-HNRNPH2 readthrough; plus strand). Cytogenetic location: Xq22.1.
Variant type: Deletion.
Coding change: c.421del on transcript NM_000169.3 (MANE Select); coding-DNA position 421, one base deleted (A; older notation c.421delA).
Protein change: p.Thr141fs; shifts the reading frame from threonine 141.
Molecular consequence: frameshift variant. On other transcripts: non-coding transcript variant (3), intron variant (2).
Genome position (GRCh38, 1-based): chrX:101,401,758, T deleted on the plus strand (A on the coding strand, the reverse complement: GLA is on the minus strand); the first of 4 consecutive T bases (chrX:101,401,758-101,401,761); deleting any one gives the same sequence. VCF-style (leftmost placement, unchanged base first): chrX-101401757-GT-G. GRCh37 (hg19) VCF-style: chrX-100656745-GT-G.
Other names: c.544del, p.Thr182fs (NM_001406747.1, NM_001406749.1); c.421del, p.Thr141fs (NM_001406748.1); c.300+6304del (NM_001199973.2); c.177+9939del (NM_001199974.2); short protein forms T141fs, T182fs.
Identifiers: ClinVar variation 4974887 (VCV004974887.1).

ClinVar aggregate classification (germline): Pathogenic (1 of 4 stars; one submission).

Conditions:
Fabry disease. Also called: Fabry's disease; ALPHA-GALACTOSIDASE A DEFICIENCY; ANDERSON-FABRY DISEASE; CERAMIDE TRIHEXOSIDASE DEFICIENCY; GLA DEFICIENCY; HEREDITARY DYSTOPIC LIPIDOSIS. Identifiers: Orphanet 324, MedGen C0002986, MONDO:0010526, OMIM 301500, HP:0001071. Disease mechanism: Fabry disease is due to inactivating mutations in the X-linked GLA gene resulting in deficiency of the enzyme Alpha Galactosidase-A., loss of function.

Submission:

Genomenon, Inc
Classification: Pathogenic for Fabry disease. Last evaluated: 2026-09-08. Review status: criteria provided, single submitter. Criteria: Genomenon Sequence Variant Interpretation Standards - Updated. Collection method: curation. Allele origin: germline. Affected: yes.
Comment: GLA p.Thr141ProfsTer24 (c.421del) is a frameshift variant that is predicted to introduce a premature termination codon and result in a truncated or absent protein product. This variant has been observed in at least one proband with clinical features consistent with Fabry disease (PMID:8739292). The variant was found to segregate with disease in at least one affected family (PMID:8739292). It is absent or not present at a significant frequency in gnomAD. In conclusion, we classify GLA p.Thr141ProfsTer24 (c.421del) as a pathogenic variant.

Literature cited by the submitters: PubMed 8739292.